The following is an entry in ClinVar:

NM_016441.3(CRIM1):c.1791T>C (p.Ala597=)

Gene: CRIM1 (cysteine rich transmembrane BMP regulator 1). Cytogenetic location: 2p22.2.
Variant type: single nucleotide variant.
Coding change: c.1791T>C on transcript NM_016441.3 (MANE Select); coding-DNA position 1791, T replaced by C.
Protein change: p.Ala597=; no amino-acid change (alanine 597 retained).
Molecular consequence: synonymous variant.
Genome position (GRCh38, 1-based): chr2:36,513,566, T>C. VCF-style: chr2-36513566-T-C. GRCh37 (hg19) VCF-style: chr2-36740709-T-C.
Other names: c.1791T>C (NM_016441.2).
Identifiers: ClinVar variation 2650823 (VCV002650823.25), dbSNP rs138250886, ClinGen allele CA1610334.
Genomic context (GRCh38, chr2:36,513,566, plus strand): 5'-TCTCCTGTGCAGTAGCCACTTCTTTACCAGGCTGCCTTTTGTCTGTCCAGAGGCCTCTGC[T>C]TCAGCTGGGCCACCCATCCTGTCGGGCACTTGTCTCACCGTGGATGGTCATCATCATAAA-3'
Protein context (NP_057525.1, residues 587-607): CLICKCREAS[Ala597=]SAGPPILSGT

ClinVar aggregate classification (germline): Likely benign. Review status: criteria provided, single submitter (1 of 4 stars). 2 submissions from 2 submitters: Likely benign (1). 1 of the submissions does not count toward it. Last evaluated 2023-03-01.

Conditions:
CRIM1-related disorder. Also called: CRIM1-related condition.

Allele frequency attached by ClinVar (database versions not stated): gnomAD exomes 0.00082; 1000 Genomes Project 30x 0.00125; 1000 Genomes Project 0.00140; ExAC 0.00149; gnomAD 0.00151; TOPMed 0.00037; ESP Exome Variant Server 0.00038.
gnomAD v4.1: 1,450 of 1,614,138 alleles (0.09%); highest among the groups gnomAD compares: Non-Finnish European, 0.036%; 16 homozygotes.

Submissions (2):

CeGaT Center for Human Genetics Tuebingen
Classification: Likely benign. Last evaluated: 2023-03-01. Review status: criteria provided, single submitter. Criteria: CeGaT Center For Human Genetics Tuebingen Variant Classification Criteria Version 2. Collection method: clinical testing. Allele origin: germline. Affected: yes. Observed: 1 variant allele.
Comment: CRIM1: BP4, BP7

PreventionGenetics, part of Exact Sciences
Classification: Benign for CRIM1-related condition. Last evaluated: 2020-03-10. Review status: no assertion criteria provided. Collection method: clinical testing. Allele origin: germline. Not counted in ClinVar's aggregate classification.
Comment: This variant is classified as benign based on ACMG/AMP sequence variant interpretation guidelines (Richards et al. 2015 PMID: 25741868, with internal and published modifications).